The following is an entry in ClinVar:

ClinVar aggregate classification (germline): Uncertain significance (1 of 4 stars; one submission).

Submission:

GeneDx
Classification: Uncertain significance. Last evaluated: 2024-05-14. Review status: criteria provided, single submitter. Criteria: GeneDx Variant Classification Process June 2021. Collection method: clinical testing. Allele origin: germline. Affected: yes.
Comment: Not observed at significant frequency in large population cohorts (gnomAD); In silico analysis indicates that this missense variant does not alter protein structure/function; Has not been previously published as pathogenic or benign to our knowledge

NM_001042424.3(NSD2):c.2198C>T (p.Thr733Ile)

Gene: NSD2 (nuclear receptor binding SET domain protein 2; plus strand). Cytogenetic location: 4p16.3.
Variant type: single nucleotide variant.
Coding change: c.2198C>T on transcript NM_001042424.3 (MANE Select); coding-DNA position 2198, C replaced by T.
Protein change: p.Thr733Ile; replaces threonine 733 with isoleucine.
Molecular consequence: missense variant.
Genome position (GRCh38, 1-based): chr4:1,953,384, C>T. VCF-style: chr4-1953384-C-T. GRCh37 (hg19) VCF-style: chr4-1955111-C-T.
Other names: c.2198C>T, p.Thr733Ile (NM_133330.3, NM_133331.3, NM_133335.4); short protein forms T733I.
Identifiers: ClinVar variation 3377863 (VCV003377863.1).